The following is an entry in ClinVar:

NM_004629.2(FANCG):c.518C>G (p.Ala173Gly)

Gene: FANCG (FA complementation group G; minus strand). Cytogenetic location: 9p13.3.
Variant type: single nucleotide variant.
Coding change: c.518C>G on transcript NM_004629.2 (MANE Select); coding-DNA position 518, C replaced by G.
Protein change: p.Ala173Gly; replaces alanine 173 with glycine.
Molecular consequence: missense variant.
Genome position (GRCh38, 1-based): chr9:35,077,392, G>C on the plus strand (C>G on the coding strand, the complement: FANCG is on the minus strand). VCF-style: chr9-35077392-G-C. GRCh37 (hg19) VCF-style: chr9-35077389-G-C.
Other names: short protein forms A173G.
Identifiers: ClinVar variation 4841399 (VCV004841399.1).

ClinVar aggregate classification (germline): Uncertain significance (1 of 4 stars; one submission).

Conditions:
Inborn genetic diseases. Identifiers: MedGen C0950123, MeSH D030342.

Submission:

Ambry Genetics
Classification: Uncertain significance for Inborn genetic diseases. Last evaluated: 2025-12-18. Review status: criteria provided, single submitter. Criteria: Ambry Variant Classification Scheme 2023. Collection method: clinical testing. Allele origin: germline.
Comment: The p.A173G variant (also known as c.518C>G), located in coding exon 5 of the FANCG gene, results from a C to G substitution at nucleotide position 518. The alanine at codon 173 is replaced by glycine, an amino acid with similar properties. This amino acid position is conserved. In addition, this alteration is predicted to be tolerated by in silico analysis. Based on the available evidence, the clinical significance of this variant remains unclear.